The following is an entry in ClinVar:

NM_017654.4(SAMD9):c.1544G>A (p.Arg515Lys)

Gene: SAMD9 (sterile alpha motif domain containing 9; minus strand). Cytogenetic location: 7q21.2.
Variant type: single nucleotide variant.
Coding change: c.1544G>A on transcript NM_017654.4 (MANE Select); coding-DNA position 1544, G replaced by A.
Protein change: p.Arg515Lys; replaces arginine 515 with lysine.
Molecular consequence: missense variant.
Genome position (GRCh38, 1-based): chr7:93,104,554, C>T on the plus strand (G>A on the coding strand, the complement: SAMD9 is on the minus strand). VCF-style: chr7-93104554-C-T. GRCh37 (hg19) VCF-style: chr7-92733867-C-T.
Other names: c.1544G>A, p.Arg515Lys (NM_001193307.2); c.1544G>A (NM_017654.3); short protein forms R515K.
Identifiers: ClinVar variation 1938937 (VCV001938937.3), dbSNP rs1258665155, ClinGen allele CA368195928.

ClinVar aggregate classification (germline): Uncertain significance. Review status: criteria provided, multiple submitters, no conflicts (2 of 4 stars). 2 submissions from 2 submitters: Uncertain significance (2). Last evaluated 2025-01-30.

Conditions:
Inborn genetic diseases. Identifiers: MedGen C0950123, MeSH D030342.

Allele frequency attached by ClinVar (database versions not stated): TOPMed below 0.00001.
gnomAD v4.1: 19 of 1,614,044 alleles (0.0012%); highest among the groups gnomAD compares: Non-Finnish European, 0.0015%; no homozygotes.

Submissions (2):

Ambry Genetics
Classification: Uncertain significance for Inborn genetic diseases. Last evaluated: 2025-01-30. Review status: criteria provided, single submitter. Criteria: Ambry Variant Classification Scheme 2023. Collection method: clinical testing. Allele origin: germline.
Comment: The p.R515K variant (also known as c.1544G>A), located in coding exon 1 of the SAMD9 gene, results from a G to A substitution at nucleotide position 1544. The arginine at codon 515 is replaced by lysine, an amino acid with highly similar properties. This amino acid position is conserved. In addition, this alteration is predicted to be tolerated by in silico analysis. Based on the available evidence, the clinical significance of this variant remains unclear.

Labcorp Genetics (formerly Invitae), Labcorp
Classification: Uncertain significance. Last evaluated: 2022-05-17. Review status: criteria provided, single submitter. Criteria: Invitae Variant Classification Sherloc (09022015). Collection method: clinical testing. Allele origin: germline.
Comment: This sequence change replaces arginine, which is basic and polar, with lysine, which is basic and polar, at codon 515 of the SAMD9 protein (p.Arg515Lys). This variant is not present in population databases (gnomAD no frequency). This variant has not been reported in the literature in individuals affected with SAMD9-related conditions. Algorithms developed to predict the effect of missense changes on protein structure and function output the following: SIFT: "Tolerated"; PolyPhen-2: "Benign"; Align-GVGD: "Class C0". The lysine amino acid residue is found in multiple mammalian species, which suggests that this missense change does not adversely affect protein function. In summary, the available evidence is currently insufficient to determine the role of this variant in disease. Therefore, it has been classified as a Variant of Uncertain Significance.